The following is an entry in ClinVar:

NM_001366207.1(DLG1):c.333G>A (p.Gln111=)

Gene: DLG1 (discs large MAGUK scaffold protein 1; minus strand). Cytogenetic location: 3q29.
Variant type: single nucleotide variant.
Coding change: c.333G>A on transcript NM_001366207.1 (MANE Select); coding-DNA position 333, G replaced by A.
Protein change: p.Gln111=; no amino-acid change (glutamine 111 retained).
Molecular consequence: synonymous variant. On other transcripts: non-coding transcript variant (2).
Genome position (GRCh38, 1-based): chr3:197,194,575, C>T on the plus strand (G>A on the coding strand, the complement: DLG1 is on the minus strand). VCF-style: chr3-197194575-C-T. GRCh37 (hg19) VCF-style: chr3-196921446-C-T.
Other names: c.333G>A, p.Gln111= (NM_001098424.1, NM_001204386.1, NM_001290983.2 and 19 more transcripts).
Identifiers: ClinVar variation 3036924 (VCV003036924.2), dbSNP rs78014638, ClinGen allele CA2785828.

ClinVar aggregate classification (germline): Likely benign (0 of 4 stars; one submission).

Conditions:
DLG1-related disorder. Also called: DLG1-related condition.

Allele frequency attached by ClinVar (database versions not stated): gnomAD 0.00010; TOPMed 0.00010; ExAC 0.00011; ESP Exome Variant Server 0.00015; gnomAD exomes 0.00022.
gnomAD v4.1: 322 of 1,589,948 alleles (0.02%); highest among the groups gnomAD compares: Non-Finnish European, 0.027%; no homozygotes.

Submission:

PreventionGenetics, part of Exact Sciences
Classification: Likely benign for DLG1-related condition. Last evaluated: 2020-05-20. Review status: no assertion criteria provided. Collection method: clinical testing. Allele origin: germline.
Comment: This variant is classified as likely benign based on ACMG/AMP sequence variant interpretation guidelines (Richards et al. 2015 PMID: 25741868, with internal and published modifications).